The following is an entry in ClinVar:

ClinVar aggregate classification (germline): Uncertain significance (1 of 4 stars; one submission).

Conditions:
HYPERHOMOCYSTEINEMIA, THROMBOTIC, CBS-RELATED. Identifiers: MedGen C3150344, OMIM 236200.

Submission:

Labcorp Genetics (formerly Invitae), Labcorp
Classification: Uncertain significance for HYPERHOMOCYSTEINEMIA, THROMBOTIC, CBS-RELATED. Last evaluated: 2021-08-13. Review status: criteria provided, single submitter. Criteria: Invitae Variant Classification Sherloc (09022015). Collection method: clinical testing. Allele origin: germline.
Comment: This sequence change affects codon 453 of the CBS mRNA. It is a 'silent' change, meaning that it does not change the encoded amino acid sequence of the CBS protein. It affects a nucleotide within the consensus splice site of the intron. This variant is not present in population databases (ExAC no frequency). This variant has not been reported in the literature in individuals affected with CBS-related conditions. Algorithms developed to predict the effect of sequence changes on RNA splicing suggest that this variant is not likely to affect RNA splicing. In summary, the available evidence is currently insufficient to determine the role of this variant in disease. Therefore, it has been classified as a Variant of Uncertain Significance.

NM_000071.3(CBS):c.1359G>C (p.Gly453=)

Gene: CBS (cystathionine beta-synthase; minus strand). Cytogenetic location: 21q22.3.
Variant type: single nucleotide variant.
Coding change: c.1359G>C on transcript NM_000071.3 (MANE Select); coding-DNA position 1359, G replaced by C.
Protein change: p.Gly453=; no amino-acid change (glycine 453 retained).
Molecular consequence: synonymous variant.
Genome position (GRCh38, 1-based): chr21:43,058,253, C>G on the plus strand (G>C on the coding strand, the complement: CBS is on the minus strand). VCF-style: chr21-43058253-C-G. GRCh37 (hg19) VCF-style: chr21-44478363-C-G.
Other names: c.1359G>C, p.Gly453= (NM_001178008.3, NM_001178009.3, NM_001320298.2); c.1044G>C, p.Gly348= (NM_001321072.1).
Identifiers: ClinVar variation 1437620 (VCV001437620.5), dbSNP rs1307473439, ClinGen allele CA749577876.